The following is an entry in ClinVar:

ClinVar aggregate classification (germline): Uncertain significance. Review status: criteria provided, multiple submitters, no conflicts (2 of 4 stars). 2 submissions from 2 submitters: Uncertain significance (2). Last evaluated 2025-12-09.

Conditions:
Familial thoracic aortic aneurysm and aortic dissection (TAAD). Also called: Thoracic aortic aneurysms and dissections. Identifiers: Orphanet 91387, MedGen C4707243, MONDO:0019625.

Submissions (2):

Labcorp Genetics (formerly Invitae), Labcorp
Classification: Uncertain significance for Familial thoracic aortic aneurysm and aortic dissection. Last evaluated: 2025-12-09. Review status: criteria provided, single submitter. Criteria: Invitae Variant Classification Sherloc (09022015). Collection method: clinical testing. Allele origin: germline.
Comment: This sequence change replaces asparagine, which is neutral and polar, with isoleucine, which is neutral and non-polar, at codon 197 of the SMAD3 protein (p.Asn197Ile). This variant is not present in population databases (gnomAD no frequency). This missense change has been observed in individual(s) with osteoarthritis (PMID: 12939660). Invitae Evidence Modeling of protein sequence and biophysical properties (such as structural, functional, and spatial information, amino acid conservation, physicochemical variation, residue mobility, and thermodynamic stability) indicates that this missense variant is not expected to disrupt SMAD3 protein function with a negative predictive value of 80%. In summary, the available evidence is currently insufficient to determine the role of this variant in disease. Therefore, it has been classified as a Variant of Uncertain Significance.

Color Diagnostics, LLC DBA Color Health
Classification: Uncertain significance for Familial thoracic aortic aneurysm and aortic dissection. Last evaluated: 2025-05-26. Review status: criteria provided, single submitter. Criteria: ACMG Guidelines, 2015. Collection method: clinical testing. Allele origin: germline.
Comment: This missense variant replaces asparagine with isoleucine at codon 197 of the SMAD3 protein. Computational prediction tool is inconclusive regarding the impact of this variant on protein structure and function. To our knowledge, functional studies have not been reported for this variant. This variant has not been reported in individuals affected with SMAD3-related disorders in the literature. This variant has not been identified in the general population by the Genome Aggregation Database (gnomAD). The available evidence is insufficient to determine the role of this variant in disease conclusively. Therefore, this variant is classified as a Variant of Uncertain Significance.

Literature cited by the submitters: PubMed 12939660 (cited by Labcorp Genetics (formerly Invitae), Labcorp).

NM_005902.4(SMAD3):c.590A>T (p.Asn197Ile)

Gene: SMAD3 (SMAD family member 3; plus strand). Cytogenetic location: 15q22.33.
Variant type: single nucleotide variant.
Coding change: c.590A>T on transcript NM_005902.4 (MANE Select); coding-DNA position 590, A replaced by T.
Protein change: p.Asn197Ile; replaces asparagine 197 with isoleucine.
Molecular consequence: missense variant.
Genome position (GRCh38, 1-based): chr15:67,166,836, A>T. VCF-style: chr15-67166836-A-T. GRCh37 (hg19) VCF-style: chr15-67459174-A-T.
Other names: c.275A>T, p.Asn92Ile (NM_001145102.2, NM_001407016.1); c.458A>T, p.Asn153Ile (NM_001145103.2, NM_001407012.1); c.5A>T, p.Asn2Ile (NM_001145104.2, NM_001407017.1); c.590A>T, p.Asn197Ile (NM_001407011.1, NM_001407013.1); c.443A>T, p.Asn148Ile (NM_001407014.1); c.143A>T, p.Asn48Ile (NM_001407015.1); short protein forms N48I, N92I, N148I, N2I, N153I, N197I.
Identifiers: ClinVar variation 4710191 (VCV004710191.1).